The following is an entry in ClinVar:

ClinVar aggregate classification (germline): Pathogenic (1 of 4 stars; one submission).

Conditions:
Peutz-Jeghers syndrome (PJS). Also called: POLYPOSIS, HAMARTOMATOUS INTESTINAL; POLYPS-AND-SPOTS SYNDROME; Peutz-Jeghers polyposis; Periorificial lentiginosis syndrome. Identifiers: Orphanet 2869, MedGen C0031269, MeSH D010580, MONDO:0008280, OMIM 175200.

Submission:

Labcorp Genetics (formerly Invitae), Labcorp
Classification: Pathogenic for Peutz-Jeghers syndrome. Last evaluated: 2023-02-15. Review status: criteria provided, single submitter. Criteria: Invitae Variant Classification Sherloc (09022015). Collection method: clinical testing. Allele origin: germline.
Comment: For these reasons, this variant has been classified as Pathogenic. This sequence change creates a premature translational stop signal (p.Phe255Leufs*11) in the STK11 gene. It is expected to result in an absent or disrupted protein product. Loss-of-function variants in STK11 are known to be pathogenic (PMID: 15188174, 16287113). This variant is not present in population databases (gnomAD no frequency). This variant has not been reported in the literature in individuals affected with STK11-related conditions. ClinVar contains an entry for this variant (Variation ID: 655873).

Literature cited by the submitters: PubMed 15188174; PubMed 16287113.

NM_000455.5(STK11):c.762dup (p.Phe255fs)

Gene: STK11 (serine/threonine kinase 11; plus strand). Cytogenetic location: 19p13.3.
Variant type: Duplication.
Coding change: c.762dup on transcript NM_000455.5 (MANE Select); coding-DNA position 762, one base duplicated (C; older notation c.762dupC).
Protein change: p.Phe255fs; shifts the reading frame from phenylalanine 255.
Molecular consequence: frameshift variant.
Genome position (GRCh38, 1-based): chr19:1,221,240, C duplicated; the last of 4 consecutive C bases (chr19:1,221,237-1,221,240); duplicating any one gives the same sequence. VCF-style (leftmost placement, unchanged base first): chr19-1221236-A-AC. GRCh37 (hg19) VCF-style: chr19-1221235-A-AC.
Other names: c.762dupC (NM_000455.4); short protein forms F255fs.
Identifiers: ClinVar variation 655873 (VCV000655873.6), dbSNP rs1599927573, ClinGen allele CA915951586.